The following is an entry in ClinVar:

ClinVar aggregate classification (germline): Uncertain significance (1 of 4 stars; one submission).

Allele frequency attached by ClinVar (database versions not stated): gnomAD 0.00001; gnomAD exomes 0.00001; ExAC 0.00002; TOPMed 0.00002; 1000 Genomes Project 0.00020; 1000 Genomes Project 30x 0.00031.
gnomAD v4.1: 24 of 1,613,846 alleles (0.0015%); highest among the groups gnomAD compares: East Asian, 0.049%; no homozygotes.

Submission:

Labcorp Genetics (formerly Invitae), Labcorp
Classification: Uncertain significance. Last evaluated: 2022-01-04. Review status: criteria provided, single submitter. Criteria: Invitae Variant Classification Sherloc (09022015). Collection method: clinical testing. Allele origin: germline.
Comment: This sequence change replaces arginine, which is basic and polar, with glutamine, which is neutral and polar, at codon 255 of the CYP27B1 protein (p.Arg255Gln). This variant is present in population databases (rs190470241, gnomAD 0.02%). This variant has not been reported in the literature in individuals affected with CYP27B1-related conditions. Advanced modeling of protein sequence and biophysical properties (such as structural, functional, and spatial information, amino acid conservation, physicochemical variation, residue mobility, and thermodynamic stability) performed at Invitae indicates that this missense variant is not expected to disrupt CYP27B1 protein function. In summary, the available evidence is currently insufficient to determine the role of this variant in disease. Therefore, it has been classified as a Variant of Uncertain Significance.

NM_000785.4(CYP27B1):c.764G>A (p.Arg255Gln)

Gene: CYP27B1 (cytochrome P450 family 27 subfamily B member 1; minus strand). Cytogenetic location: 12q14.1.
Variant type: single nucleotide variant.
Coding change: c.764G>A on transcript NM_000785.4 (MANE Select); coding-DNA position 764, G replaced by A.
Protein change: p.Arg255Gln; replaces arginine 255 with glutamine.
Molecular consequence: missense variant.
Genome position (GRCh38, 1-based): chr12:57,765,037, C>T on the plus strand (G>A on the coding strand, the complement: CYP27B1 is on the minus strand). VCF-style: chr12-57765037-C-T. GRCh37 (hg19) VCF-style: chr12-58158820-C-T.
Other names: short protein forms R255Q.
Identifiers: ClinVar variation 1900220 (VCV001900220.2), dbSNP rs190470241, ClinGen allele CA6658338.